The following is an entry in ClinVar:

ClinVar aggregate classification (germline): Uncertain significance (1 of 4 stars; one submission).

Conditions:
Alagille syndrome due to a JAG1 point mutation. Also called: Alagille Syndrome 1; HEPATIC DUCTULAR HYPOPLASIA, SYNDROMATIC; JAG1-Related Alagille Syndrome. Identifiers: Orphanet 261619, Orphanet 52, MedGen C1956125, MONDO:0016862, OMIM 118450.

gnomAD v4.1: 1 of 1,614,196 alleles (0.000062%); highest among the groups gnomAD compares: Non-Finnish European, 0.000085%; no homozygotes.

Submission:

Labcorp Genetics (formerly Invitae), Labcorp
Classification: Uncertain significance for Alagille syndrome due to a JAG1 point mutation. Last evaluated: 2025-12-15. Review status: criteria provided, single submitter. Criteria: Invitae Variant Classification Sherloc (09022015). Collection method: clinical testing. Allele origin: germline.
Comment: This sequence change replaces lysine, which is basic and polar, with methionine, which is neutral and non-polar, at codon 558 of the JAG1 protein (p.Lys558Met). This variant is not present in population databases (gnomAD no frequency). This variant has not been reported in the literature in individuals affected with JAG1-related conditions. Invitae Evidence Modeling of protein sequence and biophysical properties (such as structural, functional, and spatial information, amino acid conservation, physicochemical variation, residue mobility, and thermodynamic stability) has been performed for this missense variant. However, the output from this modeling did not meet the statistical confidence thresholds required to predict the impact of this variant on JAG1 protein function. In summary, the available evidence is currently insufficient to determine the role of this variant in disease. Therefore, it has been classified as a Variant of Uncertain Significance.

NM_000214.3(JAG1):c.1673A>T (p.Lys558Met)

Gene: JAG1 (jagged canonical Notch ligand 1; minus strand). Cytogenetic location: 20p12.2.
Variant type: single nucleotide variant.
Coding change: c.1673A>T on transcript NM_000214.3 (MANE Select); coding-DNA position 1673, A replaced by T.
Protein change: p.Lys558Met; replaces lysine 558 with methionine.
Molecular consequence: missense variant.
Genome position (GRCh38, 1-based): chr20:10,648,007, T>A on the plus strand (A>T on the coding strand, the complement: JAG1 is on the minus strand). VCF-style: chr20-10648007-T-A. GRCh37 (hg19) VCF-style: chr20-10628655-T-A.
Other names: short protein forms K558M.
Identifiers: ClinVar variation 4770155 (VCV004770155.1).